The following is an entry in ClinVar:

NM_024928.5(STN1):c.994C>T (p.Arg332Cys)

Gene: STN1 (STN1 subunit of CST complex; minus strand). Cytogenetic location: 10q24.33.
Variant type: single nucleotide variant.
Coding change: c.994C>T on transcript NM_024928.5 (MANE Select); coding-DNA position 994, C replaced by T.
Protein change: p.Arg332Cys; replaces arginine 332 with cysteine.
Molecular consequence: missense variant.
Genome position (GRCh38, 1-based): chr10:103,882,797, G>A on the plus strand (C>T on the coding strand, the complement: STN1 is on the minus strand). VCF-style: chr10-103882797-G-A. GRCh37 (hg19) VCF-style: chr10-105642555-G-A.
Other names: c.994C>T (NM_024928.4); short protein forms R332C.
Identifiers: ClinVar variation 1474809 (VCV001474809.4), dbSNP rs758924832, ClinGen allele CA5676428.
Genomic context (GRCh38, chr10:103,882,797, plus strand): 5'-CCAGGAGCTCCAGAACTTGCTGCAGCACAGCCTCGCTCAGGCCCGGGCGGATGCTCAGGC[G>A]AGCACAGGCCAAGATGTGCAGGAAGTGACAGCCCTTCTCCATGTCTGCAGGAAAAAGGTA-3'
Protein context (NP_079204.2, residues 322-342): CHFLHILACA[Arg332Cys]LSIRPGLSEA

ClinVar aggregate classification (germline): Uncertain significance. Review status: criteria provided, multiple submitters, no conflicts (2 of 4 stars). 2 submissions from 2 submitters: Uncertain significance (2). Last evaluated 2023-10-06.

Conditions:
Inborn genetic diseases. Identifiers: MedGen C0950123, MeSH D030342.

Allele frequency attached by ClinVar (database versions not stated): gnomAD 0.00001 and 0.00002.
gnomAD v4.1: 24 of 1,613,970 alleles (0.0015%); highest among the groups gnomAD compares: East Asian, 0.0022%; no homozygotes.

Submissions (2):

Ambry Genetics
Classification: Uncertain significance for Inborn genetic diseases. Last evaluated: 2023-10-06. Review status: criteria provided, single submitter. Criteria: Ambry Variant Classification Scheme 2023. Collection method: clinical testing. Allele origin: germline.

Labcorp Genetics (formerly Invitae), Labcorp
Classification: Uncertain significance. Last evaluated: 2022-03-04. Review status: criteria provided, single submitter. Criteria: Invitae Variant Classification Sherloc (09022015). Collection method: clinical testing. Allele origin: germline.
Comment: This sequence change replaces arginine, which is basic and polar, with cysteine, which is neutral and slightly polar, at codon 332 of the STN1 protein (p.Arg332Cys). This variant is present in population databases (rs758924832, gnomAD 0.004%). This variant has not been reported in the literature in individuals affected with STN1-related conditions. Algorithms developed to predict the effect of missense changes on protein structure and function are either unavailable or do not agree on the potential impact of this missense change (SIFT: "Deleterious"; PolyPhen-2: "Probably Damaging"; Align-GVGD: "Class C0"). In summary, the available evidence is currently insufficient to determine the role of this variant in disease. Therefore, it has been classified as a Variant of Uncertain Significance.